The following is an entry in ClinVar:

NM_002878.4(RAD51D):c.127T>C (p.Cys43Arg)

Genes: RAD51L3-RFFL (RAD51L3-RFFL readthrough; minus strand), RAD51D (RAD51 paralog D; minus strand). Cytogenetic location: 17q12.
Variant type: single nucleotide variant.
Coding change: c.127T>C on transcript NM_002878.4 (MANE Select); coding-DNA position 127, T replaced by C.
Protein change: p.Cys43Arg; replaces cysteine 43 with arginine.
Molecular consequence: missense variant. On other transcripts: non-coding transcript variant (2).
Genome position (GRCh38, 1-based): chr17:35,119,128, A>G on the plus strand (T>C on the coding strand, the complement: RAD51D is on the minus strand). VCF-style: chr17-35119128-A-G. GRCh37 (hg19) VCF-style: chr17-33446147-A-G.
Other names: c.127T>C, p.Cys43Arg (NM_001142571.2, NM_133629.3); short protein forms C43R.
Identifiers: ClinVar variation 946952 (VCV000946952.11), dbSNP rs2091788219, ClinGen allele CA399091820.
Genomic context (GRCh38, chr17:35,119,128, plus strand): 5'-TAAAAAGACACTCAGGTTTGGAATGTGGAGATCAGGAGCTCACCTTGTAAGACAAGCCAC[A>G]TTTCTGAGCTACCTCTTCCAGGTCTGCAGAAACCAGGTCCACCACTGAAAACAAAACACG-3'
Protein context (NP_002869.3, residues 33-53): SADLEEVAQK[Cys43Arg]GLSYKALVAL

ClinVar aggregate classification (germline): Uncertain significance. Review status: criteria provided, multiple submitters, no conflicts (2 of 4 stars). 2 submissions from 2 submitters: Uncertain significance (2). Last evaluated 2023-05-06.

Conditions:
Breast-ovarian cancer, familial, susceptibility to, 4. Identifiers: Orphanet 145, MedGen C3280345, MONDO:0013669, OMIM 614291.
Hereditary cancer-predisposing syndrome. Also called: Hereditary neoplastic syndrome; Neoplastic Syndromes, Hereditary; Tumor predisposition; Hereditary Cancer Syndrome. Identifiers: Orphanet 140162, MedGen C0027672, MeSH D009386, MONDO:0015356.

Allele frequency attached by ClinVar (database versions not stated): gnomAD exomes below 0.00001.
gnomAD v4.1: 2 of 1,613,874 alleles (0.00012%); highest among the groups gnomAD compares: East Asian, 0.0022%; no homozygotes.

Submissions (2):

Ambry Genetics
Classification: Uncertain significance for Hereditary cancer-predisposing syndrome. Last evaluated: 2023-05-06. Review status: criteria provided, single submitter. Criteria: Ambry Variant Classification Scheme 2023. Collection method: clinical testing. Allele origin: germline.
Comment: The p.C43R variant (also known as c.127T>C), located in coding exon 2 of the RAD51D gene, results from a T to C substitution at nucleotide position 127. The cysteine at codon 43 is replaced by arginine, an amino acid with highly dissimilar properties. This amino acid position is conserved. In addition, this alteration is predicted to be deleterious by in silico analysis. Since supporting evidence is limited at this time, the clinical significance of this alteration remains unclear.

Labcorp Genetics (formerly Invitae), Labcorp
Classification: Uncertain significance for Breast-ovarian cancer, familial, susceptibility to, 4. Last evaluated: 2019-06-24. Review status: criteria provided, single submitter. Criteria: Invitae Variant Classification Sherloc (09022015). Collection method: clinical testing. Allele origin: germline.
Comment: This sequence change replaces cysteine with arginine at codon 43 of the RAD51D protein (p.Cys43Arg). The cysteine residue is moderately conserved and there is a large physicochemical difference between cysteine and arginine. This variant is not present in population databases (ExAC no frequency). This variant has not been reported in the literature in individuals with RAD51D-related conditions. Algorithms developed to predict the effect of missense changes on protein structure and function are either unavailable or do not agree on the potential impact of this missense change (SIFT: "Tolerated"; PolyPhen-2: "Possibly Damaging"; Align-GVGD: "Class C0"). In summary, the available evidence is currently insufficient to determine the role of this variant in disease. Therefore, it has been classified as a Variant of Uncertain Significance.